The following is an entry in ClinVar:

ClinVar aggregate classification (germline): Uncertain significance (1 of 4 stars; one submission).

Conditions:
Congenital myasthenic syndrome 2A. Also called: Myasthenic syndrome, congenital, 2a, slow-channel. Identifiers: Orphanet 590, MedGen C4225374, MONDO:0014581, OMIM 616313.

gnomAD v4.1: 1 of 1,613,996 alleles (0.000062%); highest among the groups gnomAD compares: Non-Finnish European, 0.000085%; no homozygotes.

Submission:

Labcorp Genetics (formerly Invitae), Labcorp
Classification: Uncertain significance for Congenital myasthenic syndrome 2A. Last evaluated: 2022-10-04. Review status: criteria provided, single submitter. Criteria: Invitae Variant Classification Sherloc (09022015). Collection method: clinical testing. Allele origin: germline.
Comment: Advanced modeling of protein sequence and biophysical properties (such as structural, functional, and spatial information, amino acid conservation, physicochemical variation, residue mobility, and thermodynamic stability) performed at Invitae indicates that this missense variant is not expected to disrupt CHRNB1 protein function. This sequence change replaces aspartic acid, which is acidic and polar, with glutamic acid, which is acidic and polar, at codon 96 of the CHRNB1 protein (p.Asp96Glu). This variant is present in population databases (no rsID available, gnomAD 0.007%). This variant has not been reported in the literature in individuals affected with CHRNB1-related conditions. In summary, the available evidence is currently insufficient to determine the role of this variant in disease. Therefore, it has been classified as a Variant of Uncertain Significance.

NM_000747.3(CHRNB1):c.288C>A (p.Asp96Glu)

Gene: CHRNB1 (cholinergic receptor nicotinic beta 1 subunit; plus strand). Cytogenetic location: 17p13.1.
Variant type: single nucleotide variant.
Coding change: c.288C>A on transcript NM_000747.3 (MANE Select); coding-DNA position 288, C replaced by A.
Protein change: p.Asp96Glu; replaces aspartic acid 96 with glutamic acid.
Molecular consequence: missense variant.
Genome position (GRCh38, 1-based): chr17:7,446,877, C>A. VCF-style: chr17-7446877-C-A. GRCh37 (hg19) VCF-style: chr17-7350196-C-A.
Other names: short protein forms D96E.
Identifiers: ClinVar variation 2040474 (VCV002040474.4), dbSNP rs1432288070, ClinGen allele CA397790381.
Genomic context (GRCh38, chr17:7,446,877, plus strand): 5'-GCCTCTGCTTCACTAGGAGTGGACTGACTACAGGCTGAGCTGGGACCCTGCGGAGCACGA[C>A]GGCATCGATTCGCTCCGCATCACGGCGGAATCCGTGTGGCTCCCTGACGTGGTGCTACTG-3'
Protein context (NP_000738.2, residues 86-106): YRLSWDPAEH[Asp96Glu]GIDSLRITAE